The following is an entry in ClinVar:

NM_018136.5(ASPM):c.8702del (p.His2901fs)

Gene: ASPM (assembly factor for spindle microtubules; minus strand). Cytogenetic location: 1q31.3.
Variant type: Deletion.
Coding change: c.8702del on transcript NM_018136.5 (MANE Select); coding-DNA position 8702, one base deleted (A; older notation c.8702delA).
Protein change: p.His2901fs; shifts the reading frame from histidine 2901.
Molecular consequence: frameshift variant. On other transcripts: intron variant (1).
Genome position (GRCh38, 1-based): chr1:197,100,549, T deleted on the plus strand (A on the coding strand, the reverse complement: ASPM is on the minus strand). VCF-style (leftmost placement, unchanged base first): chr1-197100548-AT-A. GRCh37 (hg19) VCF-style: chr1-197069678-AT-A.
Other names: c.4066-4385del (NM_001206846.2); short protein forms H2901fs.
Identifiers: ClinVar variation 977844 (VCV000977844.2), dbSNP rs2527287298, ClinGen allele CA1139656463.

ClinVar aggregate classification (germline): Pathogenic. Review status: criteria provided, single submitter (1 of 4 stars). 2 submissions from 2 submitters: Pathogenic (1). 1 of the submissions does not count toward it. Last evaluated 2025-10-28.

Conditions:
Microcephaly 5, primary, autosomal recessive (MCPH5). Also called: ASPM Primary Microcephaly. Identifiers: Orphanet 2512, MedGen C1837501, MONDO:0012106, OMIM 608716.

Submissions (2):

3billion
Classification: Pathogenic for Microcephaly 5, primary, autosomal recessive. Last evaluated: 2025-10-28. Review status: criteria provided, single submitter. Criteria: ACMG Guidelines, 2015. Collection method: clinical testing. Allele origin: germline. Affected: yes.
Comment: The variant is not observed in the gnomAD v4.1.0 dataset. Predicted Consequence/Location: Frameshift: predicted to result in a loss or disruption of normal protein function through nonsense-mediated decay (NMD) or protein truncation. Multiple pathogenic variants are reported downstream of the variant. The variant has been reported to be associated with ASPM-related disorder (ClinVar ID: VCV000977844 /PMID: 29243349). Therefore, this variant is classified as Pathogenic according to the recommendation of ACMG/AMP guideline.

Service de Génétique Moléculaire, Hôpital Robert Debré
Classification: Pathogenic for Microcephaly 5, primary, autosomal recessive. Review status: no assertion criteria provided. Collection method: clinical testing. Allele origin: unknown. Affected: yes. Not counted in ClinVar's aggregate classification.

Literature cited by the submitters: PubMed 29243349 (cited by 3billion).